The following is an entry in ClinVar:

NM_005918.4(MDH2):c.812G>A (p.Gly271Asp)

Gene: MDH2 (malate dehydrogenase 2; plus strand). Cytogenetic location: 7q11.23.
Variant type: single nucleotide variant.
Coding change: c.812G>A on transcript NM_005918.4 (MANE Select); coding-DNA position 812, G replaced by A.
Protein change: p.Gly271Asp; replaces glycine 271 with aspartic acid.
Molecular consequence: missense variant.
Genome position (GRCh38, 1-based): chr7:76,064,880, G>A. VCF-style: chr7-76064880-G-A. GRCh37 (hg19) VCF-style: chr7-75694198-G-A.
Other names: c.686G>A, p.Gly229Asp (NM_001282403.2); c.491G>A, p.Gly164Asp (NM_001282404.2); short protein forms G164D, G229D, G271D.
Identifiers: ClinVar variation 3225214 (VCV003225214.1), dbSNP rs2535873239, ClinGen allele CA367768424.

ClinVar aggregate classification (germline): Uncertain significance (1 of 4 stars; one submission).

Conditions:
Inborn genetic diseases. Identifiers: MedGen C0950123, MeSH D030342.

Submission:

Ambry Genetics
Classification: Uncertain significance for Inborn genetic diseases. Last evaluated: 2024-02-12. Review status: criteria provided, single submitter. Criteria: Ambry Variant Classification Scheme 2023. Collection method: clinical testing. Allele origin: germline.
Comment: The p.G271D variant (also known as c.812G>A), located in coding exon 8 of the MDH2 gene, results from a G to A substitution at nucleotide position 812. The glycine at codon 271 is replaced by aspartic acid, an amino acid with similar properties. This amino acid position is conserved. In addition, this alteration is predicted to be deleterious by in silico analysis. Based on the available evidence, the clinical significance of this alteration remains unclear.